The following is an entry in ClinVar:

ClinVar aggregate classification (germline): Uncertain significance (1 of 4 stars; one submission).

gnomAD v4.1: 2 of 1,614,102 alleles (0.00012%); highest among the groups gnomAD compares: Middle Eastern, 0.017%; no homozygotes.

Submission:

Mayo Clinic Laboratories, Mayo Clinic
Classification: Uncertain significance. Last evaluated: 2023-04-25. Review status: criteria provided, single submitter. Criteria: ACMG Guidelines, 2015. Collection method: clinical testing. Allele origin: germline. Observed: 1 variant allele.
Comment: PP3, PM2_moderate

NM_004525.3(LRP2):c.9503A>G (p.Glu3168Gly)

Gene: LRP2 (LDL receptor related protein 2; minus strand). Cytogenetic location: 2q31.1.
Variant type: single nucleotide variant.
Coding change: c.9503A>G on transcript NM_004525.3 (MANE Select); coding-DNA position 9503, A replaced by G.
Protein change: p.Glu3168Gly; replaces glutamic acid 3168 with glycine.
Molecular consequence: missense variant.
Genome position (GRCh38, 1-based): chr2:169,185,845, T>C on the plus strand (A>G on the coding strand, the complement: LRP2 is on the minus strand). VCF-style: chr2-169185845-T-C. GRCh37 (hg19) VCF-style: chr2-170042355-T-C.
Other names: p.Glu3168Gly; short protein forms E3168G.
Identifiers: ClinVar variation 3380850 (VCV003380850.1).